The following is an entry in ClinVar:

NM_012309.5(SHANK2):c.4994T>C (p.Met1665Thr)

Gene: SHANK2 (SH3 and multiple ankyrin repeat domains 2; minus strand). Cytogenetic location: 11q13.3.
Variant type: single nucleotide variant.
Coding change: c.4994T>C on transcript NM_012309.5 (MANE Select); coding-DNA position 4994, T replaced by C.
Protein change: p.Met1665Thr; replaces methionine 1665 with threonine.
Molecular consequence: missense variant. On other transcripts: non-coding transcript variant (1).
Genome position (GRCh38, 1-based): chr11:70,473,425, A>G on the plus strand (T>C on the coding strand, the complement: SHANK2 is on the minus strand). VCF-style: chr11-70473425-A-G. GRCh37 (hg19) VCF-style: chr11-70319530-A-G.
Other names: c.3857T>C, p.Met1286Thr (NM_001379226.1); c.3230T>C, p.Met1077Thr (NM_133266.5); short protein forms M1077T, M1286T, M1665T.
Identifiers: ClinVar variation 2421905 (VCV002421905.6), dbSNP rs1368233590, ClinGen allele CA381676871.

ClinVar aggregate classification (germline): Uncertain significance (1 of 4 stars; one submission).

Submission:

Labcorp Genetics (formerly Invitae), Labcorp
Classification: Uncertain significance. Last evaluated: 2022-07-25. Review status: criteria provided, single submitter. Criteria: Invitae Variant Classification Sherloc (09022015). Collection method: clinical testing. Allele origin: germline.
Comment: This sequence change replaces methionine, which is neutral and non-polar, with threonine, which is neutral and polar, at codon 1077 of the SHANK2 protein (p.Met1077Thr). This variant is not present in population databases (gnomAD no frequency). This variant has not been reported in the literature in individuals affected with SHANK2-related conditions. Algorithms developed to predict the effect of missense changes on protein structure and function output the following: SIFT: "Tolerated"; PolyPhen-2: "Not Available"; Align-GVGD: "Class C0". The threonine amino acid residue is found in multiple mammalian species, which suggests that this missense change does not adversely affect protein function. In summary, the available evidence is currently insufficient to determine the role of this variant in disease. Therefore, it has been classified as a Variant of Uncertain Significance.